The following is an entry in ClinVar:

ClinVar aggregate classification (germline): Uncertain significance (1 of 4 stars; one submission).

Conditions:
Inborn genetic diseases. Identifiers: MedGen C0950123, MeSH D030342.

Submission:

Ambry Genetics
Classification: Uncertain significance for Inborn genetic diseases. Last evaluated: 2025-02-25. Review status: criteria provided, single submitter. Criteria: Ambry Variant Classification Scheme 2023. Collection method: clinical testing. Allele origin: germline.
Comment: The p.S312F variant (also known as c.935C>T), located in coding exon 9 of the ANKRD26 gene, results from a C to T substitution at nucleotide position 935. The serine at codon 312 is replaced by phenylalanine, an amino acid with highly dissimilar properties. This amino acid position is conserved. In addition, this alteration is predicted to be tolerated by in silico analysis. Based on the available evidence, the clinical significance of this variant remains unclear.

NM_014915.3(ANKRD26):c.935C>T (p.Ser312Phe)

Gene: ANKRD26 (ankyrin repeat domain containing 26; minus strand). Cytogenetic location: 10p12.1.
Variant type: single nucleotide variant.
Coding change: c.935C>T on transcript NM_014915.3 (MANE Select); coding-DNA position 935, C replaced by T.
Protein change: p.Ser312Phe; replaces serine 312 with phenylalanine.
Molecular consequence: missense variant.
Genome position (GRCh38, 1-based): chr10:27,077,480, G>A on the plus strand (C>T on the coding strand, the complement: ANKRD26 is on the minus strand). VCF-style: chr10-27077480-G-A. GRCh37 (hg19) VCF-style: chr10-27366409-G-A.
Other names: c.935C>T, p.Ser312Phe (NM_001256053.2); short protein forms S312F.
Identifiers: ClinVar variation 3871714 (VCV003871714.1).
Genomic context (GRCh38, chr10:27,077,480, plus strand): 5'-CACTGGACTTTGATTGATGTTGTAGGAAGGCTTTCAACCACAACTTCATCTTGACTATCG[G>A]AATCTCTATCCTCAAACAAAGTTCTATTTCCTGTTCTCACAGTGCCATATGTTGCTTCTA-3'
Protein context (NP_055730.2, residues 302-322): GNRTLFEDRD[Ser312Phe]DSQDEVVVES